The following is an entry in ClinVar:

NM_005445.4(SMC3):c.2535+28del

Gene: SMC3 (structural maintenance of chromosomes 3; plus strand). Cytogenetic location: 10q25.2.
Variant type: Deletion.
Coding change: c.2535+28del on transcript NM_005445.4 (MANE Select); 28 bases into the intron after coding-DNA position 2535, one base deleted (T; older notation c.2535+28delT).
Molecular consequence: intron variant.
Genome position (GRCh38, 1-based): chr10:110,600,574, T deleted; the last of 17 consecutive T bases (chr10:110,600,558-110,600,574); deleting any one gives the same sequence. VCF-style (leftmost placement, unchanged base first): chr10-110600557-GT-G. GRCh37 (hg19) VCF-style: chr10-112360315-GT-G.
Identifiers: ClinVar variation 298775 (VCV000298775.6), dbSNP rs397847637, ClinGen allele CA5688205.
Genomic context (GRCh38, chr10:110,600,557, plus strand): 5'-AGACTTATCTCAATGAGAATCTGAGAAAACGCTTGGACCAAGTAGAACAGGTGTGTATGT[GT>G]TTTTTTTTTTTTTTTTAAGGGCTCCTTGGTGGCCATGACCTATTGCAAGTGGTTATATCA-3'

ClinVar aggregate classification (germline): Benign. Review status: criteria provided, multiple submitters, no conflicts (2 of 4 stars). 2 submissions from 2 submitters: Benign (2). Last evaluated 2024-11-27.

Submissions (2):

Blueprint Genetics
Classification: Benign. Last evaluated: 2024-11-27. Review status: criteria provided, single submitter. Criteria: ACMG Guidelines, 2015. Collection method: clinical testing. Allele origin: germline.

GeneDx
Classification: Benign. Last evaluated: 2018-04-26. Review status: criteria provided, single submitter. Criteria: GeneDx Variant Classification (06012015). Collection method: clinical testing. Allele origin: germline. Affected: yes.
Comment: This variant is considered likely benign or benign based on one or more of the following criteria: it is a conservative change, it occurs at a poorly conserved position in the protein, it is predicted to be benign by multiple in silico algorithms, and/or has population frequency not consistent with disease.